The following is an entry in ClinVar:

ClinVar aggregate classification (germline): Uncertain significance (1 of 4 stars; one submission).

Conditions:
Familial intrahepatic cholestasis. Identifiers: Orphanet 284385, MedGen CN296401, MONDO:0017290.
Low phospholipid associated cholelithiasis (GBD1). Also called: Gallbladder disease 1; Gallstone cholecystitis. Identifiers: Orphanet 69663, MedGen C2609268, MONDO:0010939, OMIM 600803.

gnomAD v4.1: 1 of 1,613,206 alleles (0.000062%); highest among the groups gnomAD compares: South Asian, 0.0011%; no homozygotes.

Submission:

Genomenon, Inc
Classification: Uncertain significance for Familial intrahepatic cholestasis; Low phospholipid associated cholelithiasis. Last evaluated: 2026-04-14. Review status: criteria provided, single submitter. Criteria: Genomenon Sequence Variant Interpretation Standards - Updated. Collection method: curation. Allele origin: germline. Affected: no.
Comment: ABCB4 p.Gly742Ser (c.2224G>A) is a missense variant that changes the amino acid at residue 742 from Glycine to Serine. This variant has been reported in the published literature (PMID:12891548). It is absent or not present at a significant frequency in gnomAD. In conclusion, we classify ABCB4 p.Gly742Ser (c.2224G>A) as a variant of uncertain significance.

Literature cited by the submitters: PubMed 12891548.

NM_000443.4(ABCB4):c.2224G>A (p.Gly742Ser)

Gene: ABCB4 (ATP binding cassette subfamily B member 4; minus strand). Cytogenetic location: 7q21.12.
Variant type: single nucleotide variant.
Coding change: c.2224G>A on transcript NM_000443.4 (MANE Select); coding-DNA position 2224, G replaced by A.
Protein change: p.Gly742Ser; replaces glycine 742 with serine.
Molecular consequence: missense variant.
Genome position (GRCh38, 1-based): chr7:87,422,213, C>T on the plus strand (G>A on the coding strand, the complement: ABCB4 is on the minus strand). VCF-style: chr7-87422213-C-T. GRCh37 (hg19) VCF-style: chr7-87051529-C-T.
Other names: c.2224G>A, p.Gly742Ser (NM_018849.3, NM_018850.3); short protein forms G742S.
Identifiers: ClinVar variation 4846479 (VCV004846479.1).
Genomic context (GRCh38, chr7:87,422,213, plus strand): 5'-CCAGAAATAAGAAAATCAAAGAGAATATGTTGCACTTCTGCTGCTTCACTGCATCATCGC[C>T]TGGTCCAAAAATCTACAAAAGAATATTTAAAACGCCCACTTGGATTACATAACTGATCCT-3'
Protein context (NP_000434.1, residues 732-752): FSEIIAIFGP[Gly742Ser]DDAVKQQKCN